The following is an entry in ClinVar:

NM_000553.6(WRN):c.3983-15_3983-12del

Gene: WRN (WRN RecQ like helicase; plus strand). Cytogenetic location: 8p12.
Variant type: Deletion.
Coding change: c.3983-15_3983-12del on transcript NM_000553.6 (MANE Select); 15 bases into the intron before coding-DNA position 3983 through 12 bases into the intron before coding-DNA position 3983, 4 bases deleted (TTTT; older notation c.3983-15_3983-12delTTTT).
Molecular consequence: intron variant.
Genome position (GRCh38, 1-based): chr8:31,167,007-31,167,010, TTTT deleted; deleting any 4 consecutive bases within chr8:31,167,004-31,167,010 gives the same sequence; the c. name uses the placement nearest the transcript's 3' end. VCF-style (leftmost placement, unchanged base first): chr8-31167003-GTTTT-G. GRCh37 (hg19) VCF-style: chr8-31024519-GTTTT-G.
Identifiers: ClinVar variation 2793151 (VCV002793151.3), dbSNP rs368931913, ClinGen allele CA2739279221.

ClinVar aggregate classification (germline): Uncertain significance (1 of 4 stars; one submission).

Conditions:
Werner syndrome (WRN). Identifiers: Orphanet 902, MedGen C0043119, MONDO:0010196, OMIM 277700.

Submission:

Labcorp Genetics (formerly Invitae), Labcorp
Classification: Uncertain significance for Werner syndrome. Last evaluated: 2023-01-12. Review status: criteria provided, single submitter. Criteria: Invitae Variant Classification Sherloc (09022015). Collection method: clinical testing. Allele origin: germline.
Comment: This variant has not been reported in the literature in individuals affected with WRN-related conditions. In summary, the available evidence is currently insufficient to determine the role of this variant in disease. Therefore, it has been classified as a Variant of Uncertain Significance. Algorithms developed to predict the effect of sequence changes on RNA splicing suggest that this variant may disrupt the consensus splice site. This variant is not present in population databases (gnomAD no frequency). This sequence change falls in intron 33 of the WRN gene. It does not directly change the encoded amino acid sequence of the WRN protein.